The following is an entry in ClinVar:

NC_000017.10:g.(?_5456686)_(5487277_?)dup

Gene: NLRP1 (NLR family pyrin domain containing 1; minus strand). Cytogenetic location: 17p13.2.
Variant type: Duplication.
Identifiers: ClinVar variation 2427091 (VCV002427091.4).

ClinVar aggregate classification (germline): Uncertain significance (1 of 4 stars; one submission).

Submission:

Labcorp Genetics (formerly Invitae), Labcorp
Classification: Uncertain significance. Last evaluated: 2023-05-18. Review status: criteria provided, single submitter. Criteria: Invitae Variant Classification Sherloc (09022015). Collection method: clinical testing. Allele origin: germline.
Comment: In summary, the available evidence is currently insufficient to determine the role of this variant in disease. Therefore, it has been classified as a Variant of Uncertain Significance. Experimental studies and prediction algorithms are not available or were not evaluated, and the functional significance of this variant is currently unknown. This variant has not been reported in the literature in individuals affected with NLRP1-related conditions. This variant results in a copy number gain of the genomic region encompassing exon(s) 1-5 of the NLRP1 gene. This region includes the initiator codon of the gene. This copy number gain extends beyond the assayed region for this gene and therefore may encompass additional genes. As the precise location of this event is unknown, it may be in tandem or it may be located elsewhere in the genome.